The following is an entry in ClinVar:

NM_006009.4(TUBA1A):c.958C>T (p.Arg320Cys)

Gene: TUBA1A (tubulin alpha 1a; minus strand). Cytogenetic location: 12q13.12.
Variant type: single nucleotide variant.
Coding change: c.958C>T on transcript NM_006009.4 (MANE Select); coding-DNA position 958, C replaced by T.
Protein change: p.Arg320Cys; replaces arginine 320 with cysteine.
Molecular consequence: missense variant.
Genome position (GRCh38, 1-based): chr12:49,185,408, G>A on the plus strand (C>T on the coding strand, the complement: TUBA1A is on the minus strand). VCF-style: chr12-49185408-G-A. GRCh37 (hg19) VCF-style: chr12-49579191-G-A.
Other names: c.958C>T, p.Arg320Cys (NM_001270399.2); c.853C>T, p.Arg285Cys (NM_001270400.2); c.958C>T (NM_006009.2, NM_006009.3); short protein forms R285C, R320C.
Identifiers: ClinVar variation 864866 (VCV000864866.40), dbSNP rs1942168488, ClinGen allele CA384637833.

ClinVar aggregate classification (germline): Pathogenic/Likely pathogenic. Review status: criteria provided, multiple submitters, no conflicts (2 of 4 stars). 6 submissions from 6 submitters: Pathogenic (4); Likely pathogenic (1). 1 of the submissions does not count toward it. Last evaluated 2023-02-27.

Conditions:
Lissencephaly due to TUBA1A mutation (CDCBM16). Also called: Lissencephaly 3; CORTICAL DYSPLASIA, COMPLEX, WITH OTHER BRAIN MALFORMATIONS 16. Identifiers: Orphanet 171680, MedGen C4305153, MONDO:0012703, OMIM 611603.

Submissions (6):

GeneDx
Classification: Pathogenic. Last evaluated: 2023-02-27. Review status: criteria provided, single submitter. Criteria: GeneDx Variant Classification Process June 2021. Collection method: clinical testing. Allele origin: germline. Affected: yes.
Comment: Not observed at significant frequency in large population cohorts (gnomAD); Missense variants in this gene are often considered pathogenic (HGMD); In silico analysis supports that this missense variant has a deleterious effect on protein structure/function; This variant is associated with the following publications: (PMID: 24860126, 33604570, 34958143)

Victorian Clinical Genetics Services, Murdoch Childrens Research Institute
Classification: Pathogenic for Lissencephaly due to TUBA1A mutation. Last evaluated: 2022-02-02. Review status: criteria provided, single submitter. Criteria: ACMG Guidelines, 2015. Collection method: clinical testing. Allele origin: germline. Inheritance: Autosomal dominant inheritance. Affected: yes.
Comment: Based on the classification scheme VCGS_Germline_v1.3.4, this variant is classified as Pathogenic. Following criteria are met: 0105 - The mechanism of disease for this gene is not clearly established. Both loss of functional and dominant negative are suspected mechanisms (PMIDs: 20466733, 30517687). (I) 0107 - This gene is associated with autosomal dominant disease. (I) 0200 - Variant is predicted to result in a missense amino acid change from arginine to cysteine. (I) 0251 - This variant is heterozygous. (I) 0301 - Variant is absent from gnomAD (both v2 and v3). (SP) 0501 - Missense variant consistently predicted to be damaging by multiple in silico tools or highly conserved with a major amino acid change. (SP) 0603 - Missense variant in a region that is highly intolerant to missense variation (high constraint region in DECIPHER). (SP) 0704 - Another variant comparable to the one identified in this case has limited previous evidence for pathogenicity. p.(Arg320His) has been reported in at least two patients diagnosed with microlissencephaly, including a report of a de novo event. It has also been classified as likely pathogenic by a diagnostic laboratory in ClinVar (PMID: 30744660). (SP) 0801 - This variant has strong previous evidence of pathogenicity in unrelated individuals. It has been identified in at least two patients with polymicrogyria and multiple brain malformations as de novo events and classified as likely pathogenic by a diagnostic laboratory in ClinVar (PMID: 33604570; VCGS internal cohort). (SP) 0905 - No published segregation evidence has been identified for this variant. (I) 1007 - No published functional evidence has been identified for this variant. (I) 1102 - Strong phenotype match for this individual. (SP) 1208 - Inheritance information for this variant is not currently available in this individual. (I) Legend: (SP) - Supporting pathogenic, (I) - Information, (SB) - Supporting benign

Fulgent Genetics
Classification: Likely pathogenic for Lissencephaly due to TUBA1A mutation. Last evaluated: 2021-11-30. Review status: criteria provided, single submitter. Criteria: ACMG Guidelines, 2015. Collection method: clinical testing. Allele origin: unknown.

CeGaT Center for Human Genetics Tuebingen
Classification: Pathogenic. Last evaluated: 2020-11-01. Review status: criteria provided, single submitter. Criteria: CeGaT Center For Human Genetics Tuebingen Variant Classification Criteria Version 2. Collection method: clinical testing. Allele origin: germline. Affected: yes. Observed: 2 variant alleles.

Bruce Lefroy Centre, Murdoch Childrens Research Institute
Classification: Pathogenic for Lissencephaly due to TUBA1A mutation. Last evaluated: 2020-01-01. Review status: criteria provided, single submitter. Criteria: ACMG Guidelines, 2015. Collection method: research. Allele origin: de novo. Inheritance: Autosomal dominant inheritance. Affected: yes.
Comment: PS1, PM2, PM6, PP2, PP3

Biochemical Molecular Genetic Laboratory, King Abdulaziz Medical City
Classification: Likely pathogenic for Lissencephaly due to TUBA1A mutation. Last evaluated: 2020-05-06. Review status: no assertion criteria provided. Collection method: clinical testing. Allele origin: germline. Affected: yes. Not counted in ClinVar's aggregate classification.

Literature cited by the submitters: PubMed 20466733 (cited by Victorian Clinical Genetics Services, Murdoch Childrens Research Institute); PubMed 30517687 (cited by Victorian Clinical Genetics Services, Murdoch Childrens Research Institute); PubMed 30744660 (cited by Victorian Clinical Genetics Services, Murdoch Childrens Research Institute); PubMed 33604570 (cited by Victorian Clinical Genetics Services, Murdoch Childrens Research Institute).